The following is an entry in ClinVar:

ClinVar aggregate classification (germline): Uncertain significance (1 of 4 stars; one submission).

Conditions:
Autosomal recessive limb-girdle muscular dystrophy type 2J (LGMDR10). Also called: Limb-girdle muscular dystrophy, type 2J; MUSCULAR DYSTROPHY, LIMB-GIRDLE, AUTOSOMAL RECESSIVE 10. Identifiers: Orphanet 140922, MedGen C1837342, MONDO:0012127, OMIM 608807.
Dilated cardiomyopathy 1G (CMD1G). Identifiers: Orphanet 154, MedGen C1858763, MONDO:0011400, OMIM 604145.

gnomAD v4.1: 3 of 1,613,416 alleles (0.00019%); highest among the groups gnomAD compares: Non-Finnish European, 0.00025%; no homozygotes.

Submission:

Labcorp Genetics (formerly Invitae), Labcorp
Classification: Uncertain significance for Dilated cardiomyopathy 1G; Autosomal recessive limb-girdle muscular dystrophy type 2J. Last evaluated: 2026-02-01. Review status: criteria provided, single submitter. Criteria: Invitae Variant Classification Sherloc (09022015). Collection method: clinical testing. Allele origin: germline.
Comment: This sequence change replaces aspartic acid, which is acidic and polar, with tyrosine, which is neutral and polar, at codon 34417 of the TTN protein (p.Asp34417Tyr). This variant is present in population databases (no rsID available, gnomAD 0.007%). This variant has not been reported in the literature in individuals affected with TTN-related conditions. ClinVar contains an entry for this variant (Variation ID: 3761703). Experimental studies and prediction algorithms are not available or were not evaluated, and the functional significance of this variant is currently unknown. This variant is located in the M band of TTN (PMID: 25589632). Non-truncating variants in this region may be relevant for neuromuscular disorders, but have not been definitively shown to cause cardiomyopathy (PMID: 23975875). In summary, the available evidence is currently insufficient to determine the role of this variant in disease. Therefore, it has been classified as a Variant of Uncertain Significance.

Literature cited by the submitters: PubMed 25589632; PubMed 23975875.

NM_001267550.2(TTN):c.103249G>T (p.Asp34417Tyr)

Genes: TTN-AS1 (TTN antisense RNA 1; plus strand), TTN (titin; minus strand). Cytogenetic location: 2q31.2.
Variant type: single nucleotide variant.
Coding change: c.103249G>T on transcript NM_001267550.2 (MANE Select); coding-DNA position 103249, G replaced by T.
Protein change: p.Asp34417Tyr; replaces aspartic acid 34417 with tyrosine.
Molecular consequence: missense variant.
Genome position (GRCh38, 1-based): chr2:178,533,366, C>A on the plus strand (G>T on the coding strand, the complement: TTN is on the minus strand). VCF-style: chr2-178533366-C-A. GRCh37 (hg19) VCF-style: chr2-179398093-C-A.
Other names: c.98326G>T, p.Asp32776Tyr (NM_001256850.1); c.76054G>T, p.Asp25352Tyr (NM_003319.4); c.95545G>T, p.Asp31849Tyr (NM_133378.4); c.76429G>T, p.Asp25477Tyr (NM_133432.3); c.76630G>T, p.Asp25544Tyr (NM_133437.4); short protein forms D25352Y, D25477Y, D25544Y, D31849Y, D32776Y, D34417Y.
Identifiers: ClinVar variation 3761703 (VCV003761703.2).